The following is an entry in ClinVar:

NM_031471.6(FERMT3):c.643C>T (p.Arg215Trp)

Gene: FERMT3 (FERM domain containing kindlin 3; plus strand). Cytogenetic location: 11q13.1.
Variant type: single nucleotide variant.
Coding change: c.643C>T on transcript NM_031471.6 (MANE Select); coding-DNA position 643, C replaced by T.
Protein change: p.Arg215Trp; replaces arginine 215 with tryptophan.
Molecular consequence: missense variant.
Genome position (GRCh38, 1-based): chr11:64,211,403, C>T. VCF-style: chr11-64211403-C-T. GRCh37 (hg19) VCF-style: chr11-63978875-C-T.
Other names: c.643C>T, p.Arg215Trp (NM_001382361.1, NM_001382362.1, NM_001382448.1 and 1 more transcripts); c.103C>T, p.Arg35Trp (NM_001382363.1, NM_001382364.1); short protein forms R35W, R215W.
Identifiers: ClinVar variation 2078746 (VCV002078746.1), dbSNP rs781642005, ClinGen allele CA6068831.

ClinVar aggregate classification (germline): Uncertain significance (1 of 4 stars; one submission).

Conditions:
Leukocyte adhesion deficiency 3. Also called: Leukocyte adhesion deficiency, type III; INTEGRIN ACTIVATION DEFICIENCY DISEASE; LEUKOCYTE ADHESION DEFICIENCY 1 VARIANT. Identifiers: Orphanet 2968, Orphanet 99844, MedGen C2748536, MONDO:0013016, OMIM 612840.

Allele frequency attached by ClinVar (database versions not stated): gnomAD 0.00001; gnomAD exomes 0.00001; TOPMed 0.00001; ExAC 0.00004.

Submission:

Labcorp Genetics (formerly Invitae), Labcorp
Classification: Uncertain significance for Leukocyte adhesion deficiency 3. Last evaluated: 2022-10-26. Review status: criteria provided, single submitter. Criteria: Invitae Variant Classification Sherloc (09022015). Collection method: clinical testing. Allele origin: germline.
Comment: This sequence change replaces arginine, which is basic and polar, with tryptophan, which is neutral and slightly polar, at codon 215 of the FERMT3 protein (p.Arg215Trp). The frequency data for this variant in the population databases is considered unreliable, as metrics indicate poor data quality at this position in the gnomAD database. This variant has not been reported in the literature in individuals affected with FERMT3-related conditions. Advanced modeling of protein sequence and biophysical properties (such as structural, functional, and spatial information, amino acid conservation, physicochemical variation, residue mobility, and thermodynamic stability) performed at Invitae indicates that this missense variant is not expected to disrupt FERMT3 protein function. In summary, the available evidence is currently insufficient to determine the role of this variant in disease. Therefore, it has been classified as a Variant of Uncertain Significance.